The following is an entry in ClinVar:

NM_001374828.1(ARID1B):c.3979_3980delinsA (p.Ala1327fs)

Gene: ARID1B (AT-rich interaction domain 1B; plus strand). Cytogenetic location: 6q25.3.
Variant type: Indel.
Coding change: c.3979_3980delinsA on transcript NM_001374828.1 (MANE Select); coding-DNA positions 3979 to 3980, GC replaced by A.
Protein change: p.Ala1327fs; shifts the reading frame from alanine 1327.
Molecular consequence: frameshift variant.
Genome position (GRCh38, 1-based): chr6:157,189,701-157,189,702, GC replaced by A. VCF-style: chr6-157189701-GC-A. GRCh37 (hg19) VCF-style: chr6-157510835-GC-A.
Other names: c.3610_3611delGCinsA (NM_020732.3); c.1480_1481delinsA, p.Ala494fs (NM_001363725.2); c.3859_3860delinsA, p.Ala1287fs (NM_001371656.1, NM_001374820.1); c.3820_3821delinsA, p.Ala1274fs (NM_017519.3); short protein forms A1274fs, A1287fs, A494fs, A1327fs.
Identifiers: ClinVar variation 818000 (VCV000818000.1), dbSNP rs1583479670, ClinGen allele CA915944782.

ClinVar aggregate classification (germline): Pathogenic (1 of 4 stars; one submission).

Submission:

GeneDx
Classification: Pathogenic. Last evaluated: 2019-02-01. Review status: criteria provided, single submitter. Criteria: GeneDx Variant Classification (06012015). Collection method: clinical testing. Allele origin: germline. Affected: yes.
Comment: The c.3610_3611delGCinsA variant in the ARID1B gene has not been reported previously as a pathogenic variant nor as a benign variant, to our knowledge. The c.3610_3611delGCinsA variant causes a frameshift starting with codon Alanine 1204, changes this amino acid to a Lysine residue, and creates a premature Stop codon at position 7 of the new reading frame, denoted p.A1204KfsX7. This variant is predicted to cause loss of normal protein function either through protein truncation or nonsense-mediated mRNA decay. The c.3610_3611delGCinsA variant is not observed in large population cohorts (Lek et al., 2016). We interpret c.3610_3611delGCinsA as a pathogenic variant.